The following is an entry in ClinVar:

NM_006201.5(CDK16):c.-6-302A>G

Gene: CDK16 (cyclin dependent kinase 16; plus strand). Cytogenetic location: Xp11.3.
Variant type: single nucleotide variant.
Coding change: c.-6-302A>G on transcript NM_006201.5 (MANE Select); 302 bases into the intron before 6 bases upstream of the start codon, A replaced by G.
Molecular consequence: intron variant. On other transcripts: missense variant (1).
Genome position (GRCh38, 1-based): chrX:47,223,250, A>G. VCF-style: chrX-47223250-A-G. GRCh37 (hg19) VCF-style: chrX-47082649-A-G.
Other names: c.155A>G, p.Asp52Gly (NM_001170460.2); c.136-302A>G (NM_001440783.1); c.124-302A>G (NM_001440784.1); c.13-302A>G (NM_033018.4, NM_001440785.1); c.-6-302A>G (NM_001440786.1); short protein forms D52G.
Identifiers: ClinVar variation 4829236 (VCV004829236.1).
Genomic context (GRCh38, chrX:47,223,250, plus strand): 5'-CTGTACCTGAGAAGATCTGCAATGGAGCCTTCTGCTCCTGCAGTGGGGCTTTTCCCCTAG[A>G]TCCCAACAATCCATCGTTAGGGCCCTTGCCCTCAATCAGCCACCTAAATCTGAGAACTCA-3'

ClinVar aggregate classification (germline): Uncertain significance (1 of 4 stars; one submission).

Submission:

Ambry Genetics
Classification: Uncertain significance. Last evaluated: 2026-02-25. Review status: criteria provided, single submitter. Criteria: Ambry Variant Classification Scheme 2023. Collection method: clinical testing. Allele origin: germline.
Comment: The c.155A>G (p.D52G) alteration is located in exon 1 (coding exon 1) of the CDK16 gene. This alteration results from a A to G substitution at nucleotide position 155, causing the aspartic acid (D) at amino acid position 52 to be replaced by a glycine (G). Based on data from gnomAD, the G allele has an overall frequency of 0.002% (3/123850) total alleles studied. The highest observed frequency was 0.006% (3/51723) of European (non-Finnish) alleles. Based on insufficient or conflicting evidence, the clinical significance of this alteration remains unclear.